The following is an entry in ClinVar:

NM_001271.4(CHD2):c.698A>G (p.Lys233Arg)

Gene: CHD2 (chromodomain helicase DNA binding protein 2; plus strand). Cytogenetic location: 15q26.1.
Variant type: single nucleotide variant.
Coding change: c.698A>G on transcript NM_001271.4 (MANE Select); coding-DNA position 698, A replaced by G.
Protein change: p.Lys233Arg; replaces lysine 233 with arginine.
Molecular consequence: missense variant.
Genome position (GRCh38, 1-based): chr15:92,941,827, A>G. VCF-style: chr15-92941827-A-G. GRCh37 (hg19) VCF-style: chr15-93485057-A-G.
Other names: c.698A>G, p.Lys233Arg (NM_001042572.3); short protein forms K233R.
Identifiers: ClinVar variation 1721244 (VCV001721244.7), dbSNP rs2505443286, ClinGen allele CA393900600.

ClinVar aggregate classification (germline): Uncertain significance. Review status: criteria provided, multiple submitters, no conflicts (2 of 4 stars). 2 submissions from 2 submitters: Uncertain significance (2). Last evaluated 2024-09-03.

Conditions:
Developmental and epileptic encephalopathy 94 (DEE94). Also called: CHD2-Related Neurodevelopmental Disorders; Epileptic encephalopathy, childhood-onset. Identifiers: Orphanet 1942, Orphanet 2382, MedGen C3809278, MONDO:0014150, OMIM 615369.

Submissions (2):

Blueprint Genetics
Classification: Uncertain significance. Last evaluated: 2024-09-03. Review status: criteria provided, single submitter. Criteria: ACMG Guidelines, 2015. Collection method: clinical testing. Allele origin: germline.

Labcorp Genetics (formerly Invitae), Labcorp
Classification: Uncertain significance for Developmental and epileptic encephalopathy 94. Last evaluated: 2023-10-03. Review status: criteria provided, single submitter. Criteria: Invitae Variant Classification Sherloc (09022015). Collection method: clinical testing. Allele origin: germline.
Comment: This sequence change replaces lysine, which is basic and polar, with arginine, which is basic and polar, at codon 233 of the CHD2 protein (p.Lys233Arg). This variant is not present in population databases (gnomAD no frequency). This variant has not been reported in the literature in individuals affected with CHD2-related conditions. ClinVar contains an entry for this variant (Variation ID: 1721244). Advanced modeling of protein sequence and biophysical properties (such as structural, functional, and spatial information, amino acid conservation, physicochemical variation, residue mobility, and thermodynamic stability) performed at Invitae indicates that this missense variant is not expected to disrupt CHD2 protein function. Algorithms developed to predict the effect of sequence changes on RNA splicing suggest that this variant may create or strengthen a splice site. In summary, the available evidence is currently insufficient to determine the role of this variant in disease. Therefore, it has been classified as a Variant of Uncertain Significance.